The following is an entry in ClinVar:

NM_000222.3(KIT):c.848A>C (p.Asn283Thr)

Gene: KIT (KIT proto-oncogene, receptor tyrosine kinase; plus strand). Cytogenetic location: 4q12.
Variant type: single nucleotide variant.
Coding change: c.848A>C on transcript NM_000222.3 (MANE Select); coding-DNA position 848, A replaced by C.
Protein change: p.Asn283Thr; replaces asparagine 283 with threonine.
Molecular consequence: missense variant.
Genome position (GRCh38, 1-based): chr4:54,703,815, A>C. VCF-style: chr4-54703815-A-C. GRCh37 (hg19) VCF-style: chr4-55569981-A-C.
Other names: c.851A>C, p.Asn284Thr (NM_001385290.1, NM_001385292.1, NM_001385284.1 and 1 more transcripts); c.848A>C, p.Asn283Thr (NM_001093772.2, NM_001385285.1, NM_001385286.1); short protein forms N283T, N284T.
Identifiers: ClinVar variation 4093188 (VCV004093188.1).

ClinVar aggregate classification (germline): Uncertain significance (1 of 4 stars; one submission).

Conditions:
Hereditary cancer-predisposing syndrome. Also called: Tumor predisposition; Neoplastic Syndromes, Hereditary; Hereditary neoplastic syndrome; Hereditary Cancer Syndrome. Identifiers: Orphanet 140162, MedGen C0027672, MeSH D009386, MONDO:0015356.

Submission:

Ambry Genetics
Classification: Uncertain significance for Hereditary cancer-predisposing syndrome. Last evaluated: 2025-08-02. Review status: criteria provided, single submitter. Criteria: Ambry Variant Classification Scheme 2023. Collection method: clinical testing. Allele origin: germline.
Comment: The p.N283T variant (also known as c.848A>C), located in coding exon 5 of the KIT gene, results from an A to C substitution at nucleotide position 848. The asparagine at codon 283 is replaced by threonine, an amino acid with similar properties. This amino acid position is conserved. In addition, this alteration is predicted to be tolerated by in silico analysis. Based on the available evidence, the clinical significance of this variant remains unclear.